The following is an entry in ClinVar:

NM_016032.4(ZDHHC9):c.698T>C (p.Phe233Ser)

Gene: ZDHHC9 (zDHHC palmitoyltransferase 9; minus strand). Cytogenetic location: Xq26.1.
Variant type: single nucleotide variant.
Coding change: c.698T>C on transcript NM_016032.4 (MANE Select); coding-DNA position 698, T replaced by C.
Protein change: p.Phe233Ser; replaces phenylalanine 233 with serine.
Molecular consequence: missense variant.
Genome position (GRCh38, 1-based): chrX:129,812,797, A>G on the plus strand (T>C on the coding strand, the complement: ZDHHC9 is on the minus strand). VCF-style: chrX-129812797-A-G. GRCh37 (hg19) VCF-style: chrX-128946773-A-G.
Other names: c.698T>C, p.Phe233Ser (NM_001008222.3); c.698T>C (NM_016032.3); short protein forms F233S.
Identifiers: ClinVar variation 2174476 (VCV002174476.5), dbSNP rs1375097424, ClinGen allele CA414583850.

ClinVar aggregate classification (germline): Uncertain significance. Review status: criteria provided, multiple submitters, no conflicts (2 of 4 stars). 2 submissions from 2 submitters: Uncertain significance (2). Last evaluated 2025-03-25.

Conditions:
Intellectual developmental disorder, X-linked, syndromic, Raymond type. Also called: Syndromic X-linked intellectual disability Raymond type. Identifiers: MedGen C3275406, MONDO:0010427, OMIM 300799.
Inborn genetic diseases. Identifiers: MedGen C0950123, MeSH D030342.

Allele frequency attached by ClinVar (database versions not stated): gnomAD exomes below 0.00001; TOPMed below 0.00001; gnomAD 0.00001.
gnomAD v4.1: 6 of 1,208,174 alleles (0.0005%); highest among the groups gnomAD compares: Non-Finnish European, 0.00067%; no homozygotes.

Submissions (2):

Ambry Genetics
Classification: Uncertain significance for Inborn genetic diseases. Last evaluated: 2025-03-25. Review status: criteria provided, single submitter. Criteria: Ambry Variant Classification Scheme 2023. Collection method: clinical testing. Allele origin: germline.

Labcorp Genetics (formerly Invitae), Labcorp
Classification: Uncertain significance for Intellectual developmental disorder, X-linked, syndromic, Raymond type. Last evaluated: 2023-11-07. Review status: criteria provided, single submitter. Criteria: Invitae Variant Classification Sherloc (09022015). Collection method: clinical testing. Allele origin: germline.
Comment: This sequence change replaces phenylalanine, which is neutral and non-polar, with serine, which is neutral and polar, at codon 233 of the ZDHHC9 protein (p.Phe233Ser). This variant is present in population databases (no rsID available, gnomAD 0.001%). This variant has not been reported in the literature in individuals affected with ZDHHC9-related conditions. ClinVar contains an entry for this variant (Variation ID: 2174476). Advanced modeling of protein sequence and biophysical properties (such as structural, functional, and spatial information, amino acid conservation, physicochemical variation, residue mobility, and thermodynamic stability) performed at Invitae indicates that this missense variant is not expected to disrupt ZDHHC9 protein function with a negative predictive value of 80%. In summary, the available evidence is currently insufficient to determine the role of this variant in disease. Therefore, it has been classified as a Variant of Uncertain Significance.